The following is an entry in ClinVar:

ClinVar aggregate classification (germline): Uncertain significance (1 of 4 stars; one submission).

gnomAD v4.1: 4 of 1,614,048 alleles (0.00025%); highest among the groups gnomAD compares: Non-Finnish European, 0.00025%; no homozygotes.

Submission:

Women's Health and Genetics/Laboratory Corporation of America, LabCorp
Classification: Uncertain significance. Last evaluated: 2024-01-04. Review status: criteria provided, single submitter. Criteria: LabCorp Variant Classification Summary - May 2015. Collection method: clinical testing. Allele origin: germline.
Comment: Variant summary: SETBP1 c.1058A>G (p.Asp353Gly) results in a non-conservative amino acid change in the encoded protein sequence. Three of five in-silico tools predict a damaging effect of the variant on protein function. The variant was absent in 249246 control chromosomes (gnomAD). The available data on variant occurrences in the general population are insufficient to allow any conclusion about variant significance. To our knowledge, no occurrence of c.1058A>G in individuals affected with SETBP1-Related Disorders and no experimental evidence demonstrating its impact on protein function have been reported. ClinVar contains an entry for this variant (Variation ID: 1683350). Based on the evidence outlined above, the variant was classified as uncertain significance.

NM_015559.3(SETBP1):c.1058A>G (p.Asp353Gly)

Gene: SETBP1 (SET binding protein 1; plus strand). Cytogenetic location: 18q12.3.
Variant type: single nucleotide variant.
Coding change: c.1058A>G on transcript NM_015559.3 (MANE Select); coding-DNA position 1058, A replaced by G.
Protein change: p.Asp353Gly; replaces aspartic acid 353 with glycine.
Molecular consequence: missense variant.
Genome position (GRCh38, 1-based): chr18:44,950,398, A>G. VCF-style: chr18-44950398-A-G. GRCh37 (hg19) VCF-style: chr18-42530363-A-G.
Other names: c.1058A>G, p.Asp353Gly (NM_001379141.1, NM_001379142.1); short protein forms D353G.
Identifiers: ClinVar variation 1683350 (VCV001683350.2), dbSNP rs559254343, ClinGen allele CA402317606.